The following is an entry in ClinVar:

ClinVar aggregate classification (germline): Uncertain significance (1 of 4 stars; one submission).

Conditions:
Severe myoclonic epilepsy in infancy (DRVT). Also called: SEVERE MYOCLONIC EPILEPSY OF INFANCY; Dravet syndrome; Epileptic encephalopathy, early infantile, 6 (Dravet syndrome); DEVELOPMENTAL AND EPILEPTIC ENCEPHALOPATHY 6A; Severe Myoclonic Epilepsy in Infancy (SMEI). Identifiers: Orphanet 33069, MedGen C0751122, MONDO:0100135, OMIM 607208.

Allele frequency attached by ClinVar (database versions not stated): gnomAD exomes 0.00002; ExAC 0.00003; gnomAD 0.00004 and 0.00005; TOPMed 0.00004; ESP Exome Variant Server 0.00008; 1000 Genomes Project 30x 0.00031; 1000 Genomes Project 0.00040.

Submission:

Labcorp Genetics (formerly Invitae), Labcorp
Classification: Uncertain significance for Severe myoclonic epilepsy in infancy. Last evaluated: 2019-05-30. Review status: criteria provided, single submitter. Criteria: Invitae Variant Classification Sherloc (09022015). Collection method: clinical testing. Allele origin: germline.
Comment: This sequence change replaces valine with isoleucine at codon 275 of the SNX27 protein (p.Val275Ile). The valine residue is highly conserved and there is a small physicochemical difference between valine and isoleucine. This variant is present in population databases (rs145927992, ExAC 0.01%). This variant has not been reported in the literature in individuals with SNX27-related conditions. Algorithms developed to predict the effect of missense changes on protein structure and function (SIFT, PolyPhen-2, Align-GVGD) all suggest that this variant is likely to be tolerated, but these predictions have not been confirmed by published functional studies and their clinical significance is uncertain. In summary, the available evidence is currently insufficient to determine the role of this variant in disease. Therefore, it has been classified as a Variant of Uncertain Significance.

NM_001330723.2(SNX27):c.823G>A (p.Val275Ile)

Gene: SNX27 (sorting nexin 27; plus strand). Cytogenetic location: 1q21.3.
Variant type: single nucleotide variant.
Coding change: c.823G>A on transcript NM_001330723.2 (MANE Select); coding-DNA position 823, G replaced by A.
Protein change: p.Val275Ile; replaces valine 275 with isoleucine.
Molecular consequence: missense variant.
Genome position (GRCh38, 1-based): chr1:151,662,187, G>A. VCF-style: chr1-151662187-G-A. GRCh37 (hg19) VCF-style: chr1-151634663-G-A.
Other names: c.823G>A, p.Val275Ile (NM_030918.6); short protein forms V275I.
Identifiers: ClinVar variation 946820 (VCV000946820.1), dbSNP rs145927992, ClinGen allele CA1093507.
Genomic context (GRCh38, chr1:151,662,187, plus strand): 5'-ACTGGGCCATAAATTATTTCTCTATGTCTTTTCCCCCAGAACTACAATGGTGTGTCCGAC[G>A]TAGAGCTGAGAGTAGCATTACCAGATGGAACAACGGTTACAGTCAGGGTTAAAAAGAACA-3'
Protein context (NP_001317652.1, residues 265-285): SDENYNGVSD[Val275Ile]ELRVALPDGT